The following is an entry in ClinVar:

NM_001903.5(CTNNA1):c.1959G>A (p.Arg653=)

Gene: CTNNA1 (catenin alpha 1; plus strand). Cytogenetic location: 5q31.2.
Variant type: single nucleotide variant.
Coding change: c.1959G>A on transcript NM_001903.5 (MANE Select); coding-DNA position 1959, G replaced by A.
Protein change: p.Arg653=; no amino-acid change (arginine 653 retained).
Molecular consequence: synonymous variant.
Genome position (GRCh38, 1-based): chr5:138,929,305, G>A. VCF-style: chr5-138929305-G-A. GRCh37 (hg19) VCF-style: chr5-138264994-G-A.
Other names: c.1959G>A, p.Arg653= (NM_001290307.3, NM_001323982.2, NM_001323983.1 and 2 more transcripts); c.1650G>A, p.Arg550= (NM_001290309.3); c.1590G>A, p.Arg530= (NM_001290310.3); c.849G>A, p.Arg283= (NM_001290312.1, NM_001323987.1, NM_001323988.1 and 17 more transcripts); c.1866G>A, p.Arg622= (NM_001323986.2); c.510G>A, p.Arg170= (NM_001324006.1, NM_001324007.1, NM_001324008.1 and 2 more transcripts); c.756G>A, p.Arg252= (NM_001324011.1); c.606G>A, p.Arg202= (NM_001324012.1, NM_001324013.1).
Identifiers: ClinVar variation 820415 (VCV000820415.14), dbSNP rs1580896156, ClinGen allele CA446597687.

ClinVar aggregate classification (germline): Benign/Likely benign. Review status: criteria provided, multiple submitters, no conflicts (2 of 4 stars). 3 submissions from 3 submitters: Benign (1); Likely benign (2). Last evaluated 2025-05-13.

Conditions:
Hereditary cancer-predisposing syndrome. Also called: Hereditary Cancer Syndrome; Neoplastic Syndromes, Hereditary; Hereditary neoplastic syndrome; Tumor predisposition. Identifiers: Orphanet 140162, MedGen C0027672, MeSH D009386, MONDO:0015356.
Hereditary diffuse gastric adenocarcinoma (HDGC). Also called: DIFFUSE GASTRIC AND LOBULAR BREAST CANCER SYNDROME. Identifiers: Orphanet 26106, MedGen C1708349, MONDO:0007648, OMIM 137215.

Submissions (3):

Labcorp Genetics (formerly Invitae), Labcorp
Classification: Likely benign. Last evaluated: 2025-05-13. Review status: criteria provided, single submitter. Criteria: Invitae Variant Classification Sherloc (09022015). Collection method: clinical testing. Allele origin: germline.

Myriad Genetics, Inc.
Classification: Benign for Hereditary diffuse gastric adenocarcinoma. Last evaluated: 2024-10-14. Review status: criteria provided, single submitter. Criteria: Myriad Autosomal Dominant, Autosomal Recessive and X-Linked Classification Criteria (2023). Collection method: clinical testing. Allele origin: unknown.
Comment: This variant is considered benign. This variant is a silent/synonymous amino acid change and it is not expected to impact splicing.

Ambry Genetics
Classification: Likely benign for Hereditary cancer-predisposing syndrome. Last evaluated: 2019-01-30. Review status: criteria provided, single submitter. Criteria: Ambry Variant Classification Scheme 2023. Collection method: clinical testing. Allele origin: germline.